The following is an entry in ClinVar:

ClinVar aggregate classification (germline): Uncertain significance (1 of 4 stars; one submission).

gnomAD v4.1: 6 of 1,614,082 alleles (0.00037%); highest among the groups gnomAD compares: Non-Finnish European, 0.00051%; no homozygotes.

Submission:

Labcorp Genetics (formerly Invitae), Labcorp
Classification: Uncertain significance. Last evaluated: 2019-09-26. Review status: criteria provided, single submitter. Criteria: Invitae Variant Classification Sherloc (09022015). Collection method: clinical testing. Allele origin: germline.
Comment: This variant is present in population databases (rs768627748, ExAC 0.001%). In summary, the available evidence is currently insufficient to determine the role of this variant in disease. Therefore, it has been classified as a Variant of Uncertain Significance. Algorithms developed to predict the effect of missense changes on protein structure and function output the following: SIFT: "Tolerated"; PolyPhen-2: "Benign"; Align-GVGD: "Class C0". The leucine amino acid residue is found in multiple mammalian species, suggesting that this missense change does not adversely affect protein function. These predictions have not been confirmed by published functional studies and their clinical significance is uncertain. This variant has not been reported in the literature in individuals with RINT1-related conditions. This sequence change replaces valine with leucine at codon 684 of the RINT1 protein (p.Val684Leu). The valine residue is weakly conserved and there is a small physicochemical difference between valine and leucine.

NM_021930.6(RINT1):c.2050G>T (p.Val684Leu)

Genes: EFCAB10 (EF-hand calcium binding domain 10; minus strand), RINT1 (RAD50 interactor 1; plus strand). Cytogenetic location: 7q22.3.
Variant type: single nucleotide variant.
Coding change: c.2050G>T on transcript NM_021930.6 (MANE Select); coding-DNA position 2050, G replaced by T.
Protein change: p.Val684Leu; replaces valine 684 with leucine.
Molecular consequence: missense variant. On other transcripts: 3 prime UTR variant (2), non-coding transcript variant (1).
Genome position (GRCh38, 1-based): chr7:105,565,440, G>T. VCF-style: chr7-105565440-G-T. GRCh37 (hg19) VCF-style: chr7-105205887-G-T.
Other names: c.*7C>A (NM_001355526.2); c.*109C>A (NM_001355530.2); c.367C>A, p.His123Asn (NM_001355531.2); c.1816G>T, p.Val606Leu (NM_001346599.2); c.1027G>T, p.Val343Leu (NM_001346600.2, NM_001346603.2); c.1126G>T, p.Val376Leu (NM_001346601.2); short protein forms V343L, V376L, V684L, H123N, V606L.
Identifiers: ClinVar variation 943342 (VCV000943342.9), dbSNP rs768627748, ClinGen allele CA4426845.